The following is an entry in ClinVar:

ClinVar aggregate classification (germline): Pathogenic (1 of 4 stars; one submission).

Conditions:
Neurofibromatosis, type 1 (NF1). Also called: VON RECKLINGHAUSEN DISEASE; NEUROFIBROMATOSIS, TYPE I, SOMATIC; Peripheral type neurofibromatosis; Neurofibromatosis, type I. Identifiers: Orphanet 636, MedGen C0027831, MONDO:0018975, OMIM 162200. Disease mechanism: loss of function.

Submission:

Labcorp Genetics (formerly Invitae), Labcorp
Classification: Pathogenic for Neurofibromatosis, type 1. Last evaluated: 2024-10-18. Review status: criteria provided, single submitter. Criteria: Invitae Variant Classification Sherloc (09022015). Collection method: clinical testing. Allele origin: germline.
Comment: This sequence change creates a premature translational stop signal (p.Trp1810Leufs*31) in the NF1 gene. It is expected to result in an absent or disrupted protein product. Loss-of-function variants in NF1 are known to be pathogenic (PMID: 10712197, 23913538). This variant is not present in population databases (gnomAD no frequency). This variant has not been reported in the literature in individuals affected with NF1-related conditions. For these reasons, this variant has been classified as Pathogenic.

Literature cited by the submitters: PubMed 10712197; PubMed 23913538.

NM_001042492.3(NF1):c.5491dup (p.Trp1831fs)

Gene: NF1 (neurofibromin 1; plus strand). Cytogenetic location: 17q11.2.
Variant type: Duplication.
Coding change: c.5491dup on transcript NM_001042492.3 (MANE Select); coding-DNA position 5491, one base duplicated (T; older notation c.5491dupT).
Protein change: p.Trp1831fs; shifts the reading frame from tryptophan 1831.
Molecular consequence: frameshift variant.
Genome position (GRCh38, 1-based): chr17:31,327,721, T duplicated. VCF-style (leftmost placement, unchanged base first): chr17-31327720-C-CT. GRCh37 (hg19) VCF-style: chr17-29654738-C-CT.
Other names: c.5428dup, p.Trp1810Leufs (NM_000267.4); short protein forms W1810fs, W1831fs.
Identifiers: ClinVar variation 3723234 (VCV003723234.2).